The following is an entry in ClinVar:

NM_003001.5(SDHC):c.445T>C (p.Tyr149His)

Gene: SDHC (succinate dehydrogenase complex subunit C; plus strand). Cytogenetic location: 1q23.3.
Variant type: single nucleotide variant.
Coding change: c.445T>C on transcript NM_003001.5 (MANE Select); coding-DNA position 445, T replaced by C.
Protein change: p.Tyr149His; replaces tyrosine 149 with histidine.
Molecular consequence: missense variant.
Genome position (GRCh38, 1-based): chr1:161,362,368, T>C. VCF-style: chr1-161362368-T-C. GRCh37 (hg19) VCF-style: chr1-161332158-T-C.
Other names: c.281T>C, p.Ile94Thr (NM_001035511.3); c.343T>C, p.Tyr115His (NM_001035512.3); c.286T>C, p.Tyr96His (NM_001035513.3); c.179T>C, p.Ile60Thr (NM_001278172.3); c.565T>C, p.Tyr189His (NM_001407115.1); c.388T>C, p.Tyr130His (NM_001407116.1); c.382T>C, p.Tyr128His (NM_001407117.1); c.337T>C, p.Tyr113His (NM_001407118.1); and 2 more; short protein forms I60T, I94T, Y115H, Y149H, Y96H, Y112H, Y113H, I75T.
Identifiers: ClinVar variation 1060060 (VCV001060060.9), dbSNP rs2102385345, ClinGen allele CA343457727.

ClinVar aggregate classification (germline): Uncertain significance. Review status: criteria provided, multiple submitters, no conflicts (2 of 4 stars). 2 submissions from 2 submitters: Uncertain significance (2). Last evaluated 2026-08-20.

Conditions:
Hereditary cancer-predisposing syndrome. Also called: Tumor predisposition; Hereditary Cancer Syndrome; Hereditary neoplastic syndrome; Neoplastic Syndromes, Hereditary. Identifiers: Orphanet 140162, MedGen C0027672, MeSH D009386, MONDO:0015356.
Gastrointestinal stromal tumor. Also called: Gastrointestinal stromal tumor, somatic; Gastrointestinal stroma tumor. Identifiers: Orphanet 44890, MedGen C0238198, MeSH D046152, MONDO:0011719, OMIM 606764, HP:0100723.
Pheochromocytoma/paraganglioma syndrome 3. Also called: SDHC-Related Hereditary Paraganglioma-Pheochromocytoma Syndrome (Paragangliomas 3); Paragangliomas 3; GLOMUS TUMORS, FAMILIAL, 3; SDHC-Related Hereditary Paraganglioma-Pheochromocytoma Syndrome. Identifiers: Orphanet 29072, MedGen C1854336, MONDO:0011544, OMIM 605373.

Submissions (2):

Ambry Genetics
Classification: Uncertain significance for Hereditary cancer-predisposing syndrome. Last evaluated: 2026-08-20. Review status: criteria provided, single submitter. Criteria: Ambry Variant Classification Scheme 2023. Collection method: clinical testing. Allele origin: germline.
Comment: The p.Y149H variant (also known as c.445T>C), located in coding exon 6 of the SDHC gene, results from a T to C substitution at nucleotide position 445. The tyrosine at codon 149 is replaced by histidine, an amino acid with similar properties. This amino acid position is not well conserved in available vertebrate species. In addition, this alteration is predicted to be deleterious by in silico analysis. Based on the available evidence, the clinical significance of this variant remains unclear.

Labcorp Genetics (formerly Invitae), Labcorp
Classification: Uncertain significance for Pheochromocytoma/paraganglioma syndrome 3; Gastrointestinal stromal tumor. Last evaluated: 2020-03-17. Review status: criteria provided, single submitter. Criteria: Invitae Variant Classification Sherloc (09022015). Collection method: clinical testing. Allele origin: germline.
Comment: This sequence change replaces tyrosine with histidine at codon 149 of the SDHC protein (p.Tyr149His). The tyrosine residue is weakly conserved and there is a moderate physicochemical difference between tyrosine and histidine. This variant is not present in population databases (ExAC no frequency). This variant has not been reported in the literature in individuals with SDHC-related conditions. Algorithms developed to predict the effect of missense changes on protein structure and function output the following: SIFT: "Tolerated"; PolyPhen-2: "Benign"; Align-GVGD: "Class C0". The histidine amino acid residue is found in multiple mammalian species, suggesting that this missense change does not adversely affect protein function. These predictions have not been confirmed by published functional studies and their clinical significance is uncertain. In summary, the available evidence is currently insufficient to determine the role of this variant in disease. Therefore, it has been classified as a Variant of Uncertain Significance.